The following is an entry in ClinVar:

NM_001099922.3(ALG13):c.2680A>G (p.Thr894Ala)

Gene: ALG13 (ALG13 UDP-N-acetylglucosaminyltransferase subunit; plus strand). Cytogenetic location: Xq23.
Variant type: single nucleotide variant.
Coding change: c.2680A>G on transcript NM_001099922.3 (MANE Select); coding-DNA position 2680, A replaced by G.
Protein change: p.Thr894Ala; replaces threonine 894 with alanine.
Molecular consequence: missense variant. On other transcripts: non-coding transcript variant (1).
Genome position (GRCh38, 1-based): chrX:111,736,864, A>G. VCF-style: chrX-111736864-A-G. GRCh37 (hg19) VCF-style: chrX-110980092-A-G.
Other names: c.2368A>G, p.Thr790Ala (NM_001257230.2, NM_001257234.2, NM_001257237.2); c.2446A>G, p.Thr816Ala (NM_001257231.2); c.2680A>G, p.Thr894Ala (NM_001324292.2); c.2194A>G, p.Thr732Ala (NM_001324293.1); short protein forms T816A, T732A, T790A, T894A.
Identifiers: ClinVar variation 2012936 (VCV002012936.23), dbSNP rs1943295244, ClinGen allele CA414254612.

ClinVar aggregate classification (germline): Uncertain significance. Review status: criteria provided, multiple submitters, no conflicts (2 of 4 stars). 2 submissions from 2 submitters: Uncertain significance (2). Last evaluated 2024-04-01.

Conditions:
Developmental and epileptic encephalopathy, 36 (DEE36). Also called: Epileptic encephalopathy, early infantile, 36; Congenital disorder of glycosylation, type Is; ALG13-CDG. Identifiers: Orphanet 324422, MedGen C4317295, MONDO:0010472, OMIM 300884.

Allele frequency attached by ClinVar (database versions not stated): gnomAD exomes below 0.00001; TOPMed 0.00001.
gnomAD v4.1: 3 of 1,206,009 alleles (0.00025%); highest among the groups gnomAD compares: Non-Finnish European, 0.00034%; no homozygotes.

Submissions (2):

CeGaT Center for Human Genetics Tuebingen
Classification: Uncertain significance. Last evaluated: 2024-04-01. Review status: criteria provided, single submitter. Criteria: CeGaT Center For Human Genetics Tuebingen Variant Classification Criteria Version 2. Collection method: clinical testing. Allele origin: germline. Affected: yes. Observed: 1 variant allele.
Comment: ALG13: PM2, BP4

Labcorp Genetics (formerly Invitae), Labcorp
Classification: Uncertain significance for Developmental and epileptic encephalopathy, 36. Last evaluated: 2022-06-05. Review status: criteria provided, single submitter. Criteria: Invitae Variant Classification Sherloc (09022015). Collection method: clinical testing. Allele origin: germline.
Comment: This sequence change replaces threonine, which is neutral and polar, with alanine, which is neutral and non-polar, at codon 894 of the ALG13 protein (p.Thr894Ala). In summary, the available evidence is currently insufficient to determine the role of this variant in disease. Therefore, it has been classified as a Variant of Uncertain Significance. Algorithms developed to predict the effect of missense changes on protein structure and function output the following: SIFT: "Tolerated"; PolyPhen-2: "Benign"; Align-GVGD: "Class C0". The alanine amino acid residue is found in multiple mammalian species, which suggests that this missense change does not adversely affect protein function. This variant has not been reported in the literature in individuals affected with ALG13-related conditions. This variant is not present in population databases (gnomAD no frequency).